The following is an entry in ClinVar:

NM_004304.5(ALK):c.668-1G>T

Gene: ALK (ALK receptor tyrosine kinase; minus strand). Cytogenetic location: 2p23.2.
Variant type: single nucleotide variant.
Coding change: c.668-1G>T on transcript NM_004304.5 (MANE Select); the canonical splice acceptor site of the intron before coding-DNA position 668, G replaced by T.
Molecular consequence: splice acceptor variant.
Genome position (GRCh38, 1-based): chr2:29,717,698, C>A on the plus strand (G>T on the coding strand, the complement: ALK is on the minus strand). VCF-style: chr2-29717698-C-A. GRCh37 (hg19) VCF-style: chr2-29940564-C-A.
Identifiers: ClinVar variation 4670381 (VCV004670381.1).

ClinVar aggregate classification (germline): Uncertain significance (1 of 4 stars; one submission).

Conditions:
Hereditary cancer-predisposing syndrome. Also called: Neoplastic Syndromes, Hereditary; Tumor predisposition; Hereditary Cancer Syndrome; Hereditary neoplastic syndrome. Identifiers: Orphanet 140162, MedGen C0027672, MeSH D009386, MONDO:0015356.

gnomAD v4.1: 1 of 1,614,054 alleles (0.000062%); no homozygotes.

Submission:

Ambry Genetics
Classification: Uncertain significance for Hereditary cancer-predisposing syndrome. Last evaluated: 2025-11-06. Review status: criteria provided, single submitter. Criteria: Ambry Variant Classification Scheme 2023. Collection method: clinical testing. Allele origin: germline.
Comment: The c.668-1G>T intronic variant results from a G to T substitution one nucleotide upstream from coding exon 2 of the ALK gene. This nucleotide position is highly conserved in available vertebrate species. In silico splice site analysis predicts that this alteration will weaken the native splice acceptor site and will result in the creation or strengthening of a novel splice acceptor site. Alterations that disrupt the canonical splice site are expected to cause aberrant splicing, resulting in an abnormal protein or a transcript that is subject to nonsense-mediated mRNA decay. However, loss of function has not been established as a mechanism of disease. Based on the available evidence, the clinical significance of this alteration remains unclear.